The following is an entry in ClinVar:

ClinVar aggregate classification (germline): Uncertain significance. Review status: criteria provided, multiple submitters, no conflicts (2 of 4 stars). 2 submissions from 2 submitters: Uncertain significance (2). Last evaluated 2023-10-17.

Conditions:
Inborn genetic diseases. Identifiers: MedGen C0950123, MeSH D030342.

Allele frequency attached by ClinVar (database versions not stated): gnomAD 0.00001; gnomAD exomes 0.00001; ExAC 0.00002; 1000 Genomes Project 30x 0.00016; 1000 Genomes Project 0.00020.
gnomAD v4.1: 17 of 1,613,476 alleles (0.0011%); highest among the groups gnomAD compares: South Asian, 0.018%; no homozygotes.

Submissions (2):

Ambry Genetics
Classification: Uncertain significance for Inborn genetic diseases. Last evaluated: 2023-10-17. Review status: criteria provided, single submitter. Criteria: Ambry Variant Classification Scheme 2023. Collection method: clinical testing. Allele origin: germline.

Labcorp Genetics (formerly Invitae), Labcorp
Classification: Uncertain significance. Last evaluated: 2022-08-30. Review status: criteria provided, single submitter. Criteria: Invitae Variant Classification Sherloc (09022015). Collection method: clinical testing. Allele origin: germline.
Comment: This sequence change replaces phenylalanine, which is neutral and non-polar, with valine, which is neutral and non-polar, at codon 174 of the ASNS protein (p.Phe174Val). This variant is present in population databases (rs560439034, gnomAD 0.02%). This variant has not been reported in the literature in individuals affected with ASNS-related conditions. Advanced modeling of protein sequence and biophysical properties (such as structural, functional, and spatial information, amino acid conservation, physicochemical variation, residue mobility, and thermodynamic stability) performed at Invitae indicates that this missense variant is not expected to disrupt ASNS protein function. In summary, the available evidence is currently insufficient to determine the role of this variant in disease. Therefore, it has been classified as a Variant of Uncertain Significance.

NM_001673.5(ASNS):c.520T>G (p.Phe174Val)

Genes: ASNS (asparagine synthetase (glutamine-hydrolyzing); minus strand), CZ1P-ASNS (CZ1P-ASNS readthrough; minus strand). Cytogenetic location: 7q21.3.
Variant type: single nucleotide variant.
Coding change: c.520T>G on transcript NM_001673.5 (MANE Select); coding-DNA position 520, T replaced by G.
Protein change: p.Phe174Val; replaces phenylalanine 174 with valine.
Molecular consequence: missense variant. On other transcripts: non-coding transcript variant (1).
Genome position (GRCh38, 1-based): chr7:97,859,366, A>C on the plus strand (T>G on the coding strand, the complement: ASNS is on the minus strand). VCF-style: chr7-97859366-A-C. GRCh37 (hg19) VCF-style: chr7-97488678-A-C.
Other names: c.457T>G, p.Phe153Val (NM_001178075.2); c.271T>G, p.Phe91Val (NM_001178076.2, NM_001178077.1); c.520T>G, p.Phe174Val (NM_001352496.2, NM_133436.3, NM_183356.4); short protein forms F91V, F153V, F174V.
Identifiers: ClinVar variation 2121311 (VCV002121311.2), dbSNP rs560439034, ClinGen allele CA4354750.